The following is an entry in ClinVar:

NM_001161352.2(KCNMA1):c.762G>A (p.Thr254=)

Gene: KCNMA1 (potassium calcium-activated channel subfamily M alpha 1; minus strand). Cytogenetic location: 10q22.3.
Variant type: single nucleotide variant.
Coding change: c.762G>A on transcript NM_001161352.2 (MANE Select); coding-DNA position 762, G replaced by A.
Protein change: p.Thr254=; no amino-acid change (threonine 254 retained).
Molecular consequence: synonymous variant.
Genome position (GRCh38, 1-based): chr10:77,183,467, C>T on the plus strand (G>A on the coding strand, the complement: KCNMA1 is on the minus strand). VCF-style: chr10-77183467-C-T. GRCh37 (hg19) VCF-style: chr10-78943225-C-T.
Other names: c.762G>A, p.Thr254= (NM_001014797.3, NM_001161353.2, NM_001271519.2 and 7 more transcripts); c.600G>A, p.Thr200= (NM_001271518.2); c.222G>A, p.Thr74= (NM_001322838.2); c.762G>A (NM_002247.3).
Identifiers: ClinVar variation 1038657 (VCV001038657.18), dbSNP rs201814722, ClinGen allele CA5568614.

ClinVar aggregate classification (germline): Likely benign. Review status: criteria provided, multiple submitters, no conflicts (2 of 4 stars). 3 submissions from 3 submitters: Likely benign (3). Last evaluated 2025-11-21.

Conditions:
Inborn genetic diseases. Identifiers: MedGen C0950123, MeSH D030342.
Generalized epilepsy-paroxysmal dyskinesia syndrome (PNKD3). Also called: Generalized epilepsy and paroxysmal dyskinesia; Paroxysmal nonkinesigenic dyskinesia, 3, with or without generalized epilepsy. Identifiers: Orphanet 79137, MedGen C5574945, MONDO:0012276, OMIM 609446.

Allele frequency attached by ClinVar (database versions not stated): gnomAD 0.00003; TOPMed 0.00002.
gnomAD v4.1: 35 of 1,613,702 alleles (0.0022%); highest among the groups gnomAD compares: Non-Finnish European, 0.0023%; no homozygotes.

Submissions (3):

Labcorp Genetics (formerly Invitae), Labcorp
Classification: Likely benign for Generalized epilepsy-paroxysmal dyskinesia syndrome. Last evaluated: 2025-11-21. Review status: criteria provided, single submitter. Criteria: Invitae Variant Classification Sherloc (09022015). Collection method: clinical testing. Allele origin: germline.

CeGaT Center for Human Genetics Tuebingen
Classification: Likely benign. Last evaluated: 2025-07-01. Review status: criteria provided, single submitter. Criteria: CeGaT Center For Human Genetics Tuebingen Variant Classification Criteria Version 2. Collection method: clinical testing. Allele origin: germline. Affected: yes. Observed: 1 variant allele.
Comment: KCNMA1: BP4, BP7

Ambry Genetics
Classification: Likely benign for Inborn genetic diseases. Last evaluated: 2025-01-02. Review status: criteria provided, single submitter. Criteria: Ambry Variant Classification Scheme 2023. Collection method: clinical testing. Allele origin: germline.